The following is an entry in ClinVar:

NM_014140.4(SMARCAL1):c.508C>T (p.Pro170Ser)

Gene: SMARCAL1 (SNF2 related chromatin remodeling annealing helicase 1; plus strand). Cytogenetic location: 2q35.
Variant type: single nucleotide variant.
Coding change: c.508C>T on transcript NM_014140.4 (MANE Select); coding-DNA position 508, C replaced by T.
Protein change: p.Pro170Ser; replaces proline 170 with serine.
Molecular consequence: missense variant.
Genome position (GRCh38, 1-based): chr2:216,415,212, C>T. VCF-style: chr2-216415212-C-T. GRCh37 (hg19) VCF-style: chr2-217279935-C-T.
Other names: c.508C>T, p.Pro170Ser (NM_001127207.2); short protein forms P170S.
Identifiers: ClinVar variation 1932145 (VCV001932145.2), dbSNP rs745698233, ClinGen allele CA2097602.

ClinVar aggregate classification (germline): Uncertain significance (1 of 4 stars; one submission).

Conditions:
Schimke immuno-osseous dysplasia (SIOD). Also called: Schimke Immunoosseous Dysplasia. Identifiers: Orphanet 1830, MedGen C0877024, MONDO:0009458, OMIM 242900.

Allele frequency attached by ClinVar (database versions not stated): ExAC 0.00001.

Submission:

Labcorp Genetics (formerly Invitae), Labcorp
Classification: Uncertain significance for Schimke immuno-osseous dysplasia. Last evaluated: 2021-12-29. Review status: criteria provided, single submitter. Criteria: Invitae Variant Classification Sherloc (09022015). Collection method: clinical testing. Allele origin: germline.
Comment: This sequence change replaces proline, which is neutral and non-polar, with serine, which is neutral and polar, at codon 170 of the SMARCAL1 protein (p.Pro170Ser). This variant is present in population databases (rs745698233, gnomAD 0.006%). This variant has not been reported in the literature in individuals affected with SMARCAL1-related conditions. Algorithms developed to predict the effect of missense changes on protein structure and function (SIFT, PolyPhen-2, Align-GVGD) all suggest that this variant is likely to be tolerated. In summary, the available evidence is currently insufficient to determine the role of this variant in disease. Therefore, it has been classified as a Variant of Uncertain Significance.